The following is an entry in ClinVar:

ClinVar aggregate classification (germline): Uncertain significance. Review status: criteria provided, multiple submitters, no conflicts (2 of 4 stars). 3 submissions from 3 submitters: Uncertain significance (3). Last evaluated 2024-03-04.

Conditions:
Severe combined immunodeficiency due to DCLRE1C deficiency (RS-SCID). Also called: SCID, AUTOSOMAL RECESSIVE, T CELL-NEGATIVE, B CELL-NEGATIVE, NK CELL-POSITIVE, WITH SENSITIVITY TO IONIZING RADIATION. Identifiers: Orphanet 275, MedGen C1865371, MONDO:0011225, OMIM 602450.
Histiocytic medullary reticulosis. Also called: SEVERE COMBINED IMMUNODEFICIENCY WITH HYPEREOSINOPHILIA; Omenn syndrome. Identifiers: Orphanet 39041, MedGen C2700553, MONDO:0011338, OMIM 603554.

Submissions (3):

Baylor Genetics
Classification: Uncertain significance for Histiocytic medullary reticulosis. Last evaluated: 2024-03-04. Review status: criteria provided, single submitter. Criteria: ACMG Guidelines, 2015. Collection method: clinical testing. Allele origin: unknown.

Labcorp Genetics (formerly Invitae), Labcorp
Classification: Uncertain significance for Athabaskan severe combined immunodeficiency. Last evaluated: 2024-01-02. Review status: criteria provided, single submitter. Criteria: Invitae Variant Classification Sherloc (09022015). Collection method: clinical testing. Allele origin: germline.
Comment: This sequence change creates a premature translational stop signal (p.Leu661*) in the DCLRE1C gene. While this is not anticipated to result in nonsense mediated decay, it is expected to disrupt the last 32 amino acid(s) of the DCLRE1C protein. This variant is present in population databases (no rsID available, gnomAD 0.0009%). This variant has not been reported in the literature in individuals affected with DCLRE1C-related conditions. Experimental studies and prediction algorithms are not available or were not evaluated, and the functional significance of this variant is currently unknown. Algorithms developed to predict the effect of sequence changes on RNA splicing suggest that this variant may create or strengthen a splice site. In summary, the available evidence is currently insufficient to determine the role of this variant in disease. Therefore, it has been classified as a Variant of Uncertain Significance.

Breakthrough Genomics
Classification: Uncertain significance. Review status: criteria provided, single submitter. Criteria: ACMG Guidelines, 2015. Collection method: not provided. Allele origin: germline. Inheritance: Autosomal recessive inheritance. Affected: yes.

NM_001033855.3(DCLRE1C):c.1978_1981dup (p.Leu661Ter)

Gene: DCLRE1C (DNA cross-link repair 1C; minus strand). Cytogenetic location: 10p13.
Variant type: Duplication.
Coding change: c.1978_1981dup on transcript NM_001033855.3 (MANE Select); coding-DNA positions 1978 to 1981, 4 bases duplicated (GAGT; older notation c.1978_1981dupGAGT).
Protein change: p.Leu661Ter; replaces leucine 661 with a stop codon.
Molecular consequence: nonsense. On other transcripts: non-coding transcript variant (3), intron variant (3).
Genome position (GRCh38, 1-based): chr10:14,908,506-14,908,509, ACTC duplicated on the plus strand (GAGT on the coding strand, the reverse complement: DCLRE1C is on the minus strand); duplicating any 4 consecutive bases within chr10:14,908,506-14,908,510 gives the same sequence; the c. name uses the placement nearest the transcript's 3' end. VCF-style (leftmost placement, unchanged base first): chr10-14908505-A-AACTC. GRCh37 (hg19) VCF-style: chr10-14950504-A-AACTC.
Other names: c.1618_1621dup, p.Leu541Ter (NM_001033857.3, NM_001033858.3, NM_001289077.2 and 1 more transcripts); c.1633_1636dup, p.Leu546Ter (NM_001289076.2, NM_001289078.2, NM_022487.4); c.1437+196_1437+199dup (NM_001350966.2); c.1782+196_1782+199dup (NM_001350965.2); c.1422+196_1422+199dup (NM_001350967.2); short protein forms L546*, L541*, L661*.
Identifiers: ClinVar variation 2969476 (VCV002969476.5), dbSNP rs1330020307, ClinGen allele CA592312456.
Genomic context (GRCh38, chr10:14,908,505, plus strand): 5'-GCTATACTCTCACCAGTTGCCAGCTTCTCATATAAATATTGTAAATGCTCTCGTTTAGGT[A>AACTC]ACTCAGCTTCTGGAGTTGAGGGAACTTCAAAATCAGAAGAGCTCTGGGAATCTGCATTTG-3'